The following is an entry in ClinVar:

ClinVar aggregate classification (germline): Uncertain significance. Review status: criteria provided, multiple submitters, no conflicts (2 of 4 stars). 2 submissions from 2 submitters: Uncertain significance (2). Last evaluated 2024-05-17.

Conditions:
Cardiovascular phenotype. Identifiers: MedGen CN230736.

Submissions (2):

Ambry Genetics
Classification: Uncertain significance for Cardiovascular phenotype. Last evaluated: 2024-05-17. Review status: criteria provided, single submitter. Criteria: Ambry Variant Classification Scheme 2023. Collection method: clinical testing. Allele origin: germline.
Comment: The p.S19L variant (also known as c.56C>T), located in coding exon 2 of the APOA5 gene, results from a C to T substitution at nucleotide position 56. The serine at codon 19 is replaced by leucine, an amino acid with dissimilar properties. This amino acid position is not well conserved in available vertebrate species. In addition, this alteration is predicted to be tolerated by in silico analysis. Since supporting evidence is limited at this time, the clinical significance of this alteration remains unclear.

Labcorp Genetics (formerly Invitae), Labcorp
Classification: Uncertain significance. Last evaluated: 2022-09-27. Review status: criteria provided, single submitter. Criteria: Invitae Variant Classification Sherloc (09022015). Collection method: clinical testing. Allele origin: germline.
Comment: This sequence change replaces serine, which is neutral and polar, with leucine, which is neutral and non-polar, at codon 19 of the APOA5 protein (p.Ser19Leu). The frequency data for this variant in the population databases is considered unreliable, as metrics indicate poor data quality at this position in the gnomAD database. This variant has not been reported in the literature in individuals affected with APOA5-related conditions. Algorithms developed to predict the effect of missense changes on protein structure and function (SIFT, PolyPhen-2, Align-GVGD) all suggest that this variant is likely to be tolerated. Algorithms developed to predict the effect of sequence changes on RNA splicing suggest that this variant may create or strengthen a splice site. In summary, the available evidence is currently insufficient to determine the role of this variant in disease. Therefore, it has been classified as a Variant of Uncertain Significance.

NM_001371904.1(APOA5):c.56C>T (p.Ser19Leu)

Genes: APOA5 (apolipoprotein A5; minus strand), LOC108491825 (enhancer-blocking element 11-1-2 overlapping APOA5; plus strand). Cytogenetic location: 11q23.3.
Variant type: single nucleotide variant.
Coding change: c.56C>T on transcript NM_001371904.1 (MANE Select); coding-DNA position 56, C replaced by T.
Protein change: p.Ser19Leu; replaces serine 19 with leucine.
Molecular consequence: missense variant.
Genome position (GRCh38, 1-based): chr11:116,791,691, G>A on the plus strand (C>T on the coding strand, the complement: APOA5 is on the minus strand). VCF-style: chr11-116791691-G-A. GRCh37 (hg19) VCF-style: chr11-116662407-G-A.
Other names: c.56C>T, p.Ser19Leu (NM_001166598.2, NM_052968.5); short protein forms S19L.
Identifiers: ClinVar variation 1749156 (VCV001749156.8), dbSNP rs3135506, ClinGen allele CA6289167.